The following is an entry in ClinVar:

NM_002458.3(MUC5B):c.11562T>C (p.Ser3854=)

Genes: MUC5B (mucin 5B, oligomeric mucus/gel-forming; plus strand), MUC5B-AS1 (MUC5B antisense RNA 1; minus strand). Cytogenetic location: 11p15.5.
Variant type: single nucleotide variant.
Coding change: c.11562T>C on transcript NM_002458.3 (MANE Select); coding-DNA position 11562, T replaced by C.
Protein change: p.Ser3854=; no amino-acid change (serine 3854 retained).
Molecular consequence: synonymous variant.
Genome position (GRCh38, 1-based): chr11:1,248,442, T>C. VCF-style: chr11-1248442-T-C. GRCh37 (hg19) VCF-style: chr11-1269672-T-C.
Identifiers: ClinVar variation 403169 (VCV000403169.6), dbSNP rs4963057, ClinGen allele CA5807698.

ClinVar aggregate classification (germline): Benign. Review status: criteria provided, multiple submitters, no conflicts (2 of 4 stars). 3 submissions from 3 submitters: Benign (3). Last evaluated 2018-11-12.

Allele frequency attached by ClinVar (database versions not stated): ESP Exome Variant Server 0.31493; ExAC 0.49918; gnomAD exomes 0.50058; gnomAD 0.50105 and 0.50381; TOPMed 0.50164; 1000 Genomes Project 30x 0.51936; 1000 Genomes Project 0.52296.
gnomAD v4.1: 777,355 of 1,551,570 alleles (50%); highest among the groups gnomAD compares: East Asian, 70%; 213,466 homozygotes.

Submissions (3):

GeneDx
Classification: Benign. Last evaluated: 2018-11-12. Review status: criteria provided, single submitter. Criteria: GeneDx Variant Classification Process June 2021. Collection method: clinical testing. Allele origin: germline. Affected: yes.

Laboratory for Molecular Medicine, Mass General Brigham Personalized Medicine
Classification: Benign. Last evaluated: 2016-03-28. Review status: criteria provided, single submitter. Criteria: LMM Criteria. Collection method: clinical testing. Allele origin: germline.
Comment: Variant identified in a genome or exome case(s) and assessed due to predicted null impact of the variant or pathogenic assertions in the literature or databases. Disclaimer: This variant has not undergone full assessment. The following are preliminary notes: Frequency

Breakthrough Genomics
Classification: Benign. Review status: criteria provided, single submitter. Criteria: ACMG Guidelines, 2015. Collection method: not provided. Allele origin: germline. Inheritance: Autosomal dominant inheritance. Affected: yes.